The following is an entry in ClinVar:

NM_014363.6(SACS):c.2093+1G>A

Gene: SACS (sacsin molecular chaperone; minus strand). Cytogenetic location: 13q12.12.
Variant type: single nucleotide variant.
Coding change: c.2093+1G>A on transcript NM_014363.6 (MANE Select); the canonical splice donor site of the intron after coding-DNA position 2093, G replaced by A.
Molecular consequence: splice donor variant.
Genome position (GRCh38, 1-based): chr13:23,354,518, C>T on the plus strand (G>A on the coding strand, the complement: SACS is on the minus strand). VCF-style: chr13-23354518-C-T. GRCh37 (hg19) VCF-style: chr13-23928657-C-T.
Other names: c.1652+1G>A (NM_001278055.2).
Identifiers: ClinVar variation 3242504 (VCV003242504.2).
Genomic context (GRCh38, chr13:23,354,518, plus strand): 5'-CAGTGAGCAGGAGCAGGGGAACCCTAAGAGTGAACAGGAATGTTAGAAGGGGGACCCCTA[C>T]CTTGGATATTCTGCTGAGGTAATATAAATGACATCTTGGTCTGATACAGATGAGGAGAAG-3'

ClinVar aggregate classification (germline): Likely pathogenic. Review status: criteria provided, multiple submitters, no conflicts (2 of 4 stars). 2 submissions from 2 submitters: Likely pathogenic (2). Last evaluated 2024-07-24.

Conditions:
Charlevoix-Saguenay spastic ataxia (SACS). Also called: Spastic ataxia of Charlevoix-Saguenay; SPASTIC ATAXIA 6, AUTOSOMAL RECESSIVE; AUTOSOMAL RECESSIVE SPASTIC ATAXIA OF CHARLEVOIX-SAGUENAY. Identifiers: Orphanet 98, MedGen C1849140, MONDO:0010041, OMIM 270550.

Submissions (2):

Natera, Inc.
Classification: Likely pathogenic for Charlevoix-Saguenay type spastic ataxia. Last evaluated: 2024-07-24. Review status: criteria provided, single submitter. Criteria: Natera Variant Classification Schema (03/2026). Collection method: clinical testing. Allele origin: germline.
Comment: The c.2093+1G>A variant in SACS is a canonical splice donor site variant predicted to affect pre-mRNA splicing, which may result in an abnormal transcript and altered protein product. This variant is expected to result in nonsense mediated decay, truncation, or a dysfunctional protein product. This variant is rare in the general population with a frequency below the threshold expected for the associated phenotype(s). Given the available evidence, this variant is classified as Likely Pathogenic.

PROSPAX: an integrated multimodal progression  chart in spastic ataxias, Center for Neurology; Hertie-Institute for Clinical Brain Research
Classification: Likely pathogenic for Charlevoix-Saguenay spastic ataxia. Last evaluated: 2022-01-01. Review status: criteria provided, single submitter. Criteria: ACMG Guidelines, 2015. Collection method: research. Allele origin: germline. Affected: yes.